The following is an entry in ClinVar:

ClinVar aggregate classification (germline): Uncertain significance (1 of 4 stars; one submission).

Conditions:
Pulmonary fibrosis and/or bone marrow failure, Telomere-related, 3. Also called: PULMONARY FIBROSIS AND/OR BONE MARROW FAILURE SYNDROME, TELOMERE-RELATED, 3. Identifiers: Orphanet 2032, MedGen C4225346, MONDO:0014613, OMIM 616373.
Dyskeratosis congenita, autosomal recessive 5 (DKCB5). Identifiers: MedGen C3554656, MONDO:0014076, OMIM 615190.

Allele frequency attached by ClinVar (database versions not stated): gnomAD 0.00001; TOPMed 0.00001; gnomAD exomes 0.00002.
gnomAD v4.1: 29 of 1,611,944 alleles (0.0018%); highest among the groups gnomAD compares: Non-Finnish European, 0.0023%; no homozygotes.

Submission:

Labcorp Genetics (formerly Invitae), Labcorp
Classification: Uncertain significance for Dyskeratosis congenita, autosomal recessive 5; Pulmonary fibrosis and/or bone marrow failure, Telomere-related, 3. Last evaluated: 2025-06-08. Review status: criteria provided, single submitter. Criteria: Invitae Variant Classification Sherloc (09022015). Collection method: clinical testing. Allele origin: germline.
Comment: This sequence change replaces alanine, which is neutral and non-polar, with valine, which is neutral and non-polar, at codon 891 of the RTEL1 protein (p.Ala891Val). This variant is present in population databases (rs761295679, gnomAD 0.002%). This variant has not been reported in the literature in individuals affected with RTEL1-related conditions. ClinVar contains an entry for this variant (Variation ID: 1428545). An algorithm developed to predict the effect of missense changes on protein structure and function (PolyPhen-2) suggests that this variant is likely to be tolerated. In summary, the available evidence is currently insufficient to determine the role of this variant in disease. Therefore, it has been classified as a Variant of Uncertain Significance.

NM_001283009.2(RTEL1):c.2672C>T (p.Ala891Val)

Genes: RTEL1 (regulator of telomere elongation helicase 1; plus strand), RTEL1-TNFRSF6B (RTEL1-TNFRSF6B readthrough (NMD candidate); plus strand). Cytogenetic location: 20q13.33.
Variant type: single nucleotide variant.
Coding change: c.2672C>T on transcript NM_001283009.2 (MANE Select); coding-DNA position 2672, C replaced by T.
Protein change: p.Ala891Val; replaces alanine 891 with valine.
Molecular consequence: missense variant. On other transcripts: non-coding transcript variant (1).
Genome position (GRCh38, 1-based): chr20:63,692,824, C>T. VCF-style: chr20-63692824-C-T. GRCh37 (hg19) VCF-style: chr20-62324177-C-T.
Other names: c.2003C>T, p.Ala668Val (NM_001283010.1); c.2672C>T, p.Ala891Val (NM_016434.4); c.2744C>T, p.Ala915Val (NM_032957.5); short protein forms A668V, A891V, A915V.
Identifiers: ClinVar variation 1428545 (VCV001428545.6), dbSNP rs761295679, ClinGen allele CA317520325.
Genomic context (GRCh38, chr20:63,692,824, plus strand): 5'-TGAGGCTGGCCCTGATGGAGCCTCGGGCCTGTGTCCTGCAGGAGGAGCCCGTGGCTGGTG[C>T]ACAGACGGACAGGGCCAAGCTCTTCATGGTGGCCGTGAAGCAGGAGTTGAGCCAAGCCAA-3'
Protein context (NP_001269938.1, residues 881-901): VSHPEEPVAG[Ala891Val]QTDRAKLFMV